The following is an entry in ClinVar:

NM_001142864.4(PIEZO1):c.4274G>A (p.Ser1425Asn)

Gene: PIEZO1 (piezo type mechanosensitive ion channel component 1 (Er blood group); minus strand). Cytogenetic location: 16q24.3.
Variant type: single nucleotide variant.
Coding change: c.4274G>A on transcript NM_001142864.4 (MANE Select); coding-DNA position 4274, G replaced by A.
Protein change: p.Ser1425Asn; replaces serine 1425 with asparagine.
Molecular consequence: missense variant.
Genome position (GRCh38, 1-based): chr16:88,723,932, C>T on the plus strand (G>A on the coding strand, the complement: PIEZO1 is on the minus strand). VCF-style: chr16-88723932-C-T. GRCh37 (hg19) VCF-style: chr16-88790340-C-T.
Other names: p.Ser1425Asn; c.4274G>A (NM_001142864.3); short protein forms S1425N.
Identifiers: ClinVar variation 993398 (VCV000993398.31), dbSNP rs772788410, ClinGen allele CA8232202.

ClinVar aggregate classification (germline): Conflicting classifications of pathogenicity. Review status: criteria provided, conflicting classifications (1 of 4 stars). 6 submissions from 6 submitters: Uncertain significance (3); Likely benign (2). 1 of the submissions does not count toward it. Last evaluated 2026-08-01.

Conditions:
Blood group, ER (ER). Also called: ER BLOOD GROUP SYSTEM. Identifiers: MedGen C5703066, OMIM 620207.
Dehydrated hereditary stomatocytosis with or without pseudohyperkalemia and/or perinatal edema (DHS1). Also called: PSEUDOHYPERKALEMIA EDINBURGH; DEHYDRATED HEREDITARY STOMATOCYTOSIS AND PSEUDOHYPERKALEMIA; DEHYDRATED HEREDITARY STOMATOCYTOSIS WITH PSEUDOHYPERKALEMIA AND PERINATAL EDEMA; Pseudohyperkalemia, familial, 1, due to red cell leak; Dehydrated hereditary stomatocytosis 1 with or without pseudohyperkalemia and/or perinatal edema. Identifiers: Orphanet 3202, MedGen C4551512, MONDO:0008689, OMIM 194380.
Lymphatic malformation 6 (LMPHM6). Also called: GENERALIZED LYMPHATIC DYSPLASIA OF FOTIOU; Lymphedema, hereditary, III; PIEZO1-related generalized lymphatic dysplasia with non-immune hydrops fetalis. Identifiers: Orphanet 568062, MedGen C4225184, MONDO:0014797, OMIM 616843.
PIEZO1-related disorder. Also called: PIEZO1-related condition; PIEZO1-Related Disorders.

Allele frequency attached by ClinVar (database versions not stated): TOPMed 0.00010; 1000 Genomes Project 30x 0.00016; gnomAD exomes 0.00050; ExAC 0.00106.
gnomAD v4.1: 535 of 1,549,894 alleles (0.035%); highest among the groups gnomAD compares: Middle Eastern, 0.32%; 2 homozygotes.

Submissions (6):

CeGaT Center for Human Genetics Tuebingen
Classification: Likely benign. Last evaluated: 2026-08-01. Review status: criteria provided, single submitter. Criteria: CeGaT Center For Human Genetics Tuebingen Variant Classification Criteria Version 2. Collection method: clinical testing. Allele origin: germline. Affected: yes. Observed: 2 variant alleles.
Comment: PIEZO1: BS2

Labcorp Genetics (formerly Invitae), Labcorp
Classification: Likely benign. Last evaluated: 2025-10-05. Review status: criteria provided, single submitter. Criteria: Invitae Variant Classification Sherloc (09022015). Collection method: clinical testing. Allele origin: germline.

Mayo Clinic Laboratories, Mayo Clinic
Classification: Uncertain significance. Last evaluated: 2024-10-08. Review status: criteria provided, single submitter. Criteria: ACMG Guidelines, 2015. Collection method: clinical testing. Allele origin: germline. Observed: 2 variant alleles.

Fulgent Genetics
Classification: Uncertain significance for Dehydrated hereditary stomatocytosis with or without pseudohyperkalemia and/or perinatal edema; Lymphatic malformation 6; Blood group, ER. Last evaluated: 2024-05-21. Review status: criteria provided, single submitter. Criteria: ACMG Guidelines, 2015. Collection method: clinical testing. Allele origin: germline.

ARUP Laboratories, Molecular Genetics and Genomics, ARUP Laboratories
Classification: Uncertain significance. Last evaluated: 2020-04-03. Review status: criteria provided, single submitter. Criteria: ARUP Molecular Germline Variant Investigation Process. Collection method: clinical testing. Allele origin: germline.

PreventionGenetics, part of Exact Sciences
Classification: Likely benign for PIEZO1-related condition. Last evaluated: 2023-01-09. Review status: no assertion criteria provided. Collection method: clinical testing. Allele origin: germline. Not counted in ClinVar's aggregate classification.
Comment: This variant is classified as likely benign based on ACMG/AMP sequence variant interpretation guidelines (Richards et al. 2015 PMID: 25741868, with internal and published modifications).

Literature cited by the submitters: PubMed 36595486 (cited by Mayo Clinic Laboratories, Mayo Clinic).